The following is an entry in ClinVar:

NM_021815.5(SLC5A7):c.26T>C (p.Ile9Thr)

Gene: SLC5A7 (solute carrier family 5 member 7; plus strand). Cytogenetic location: 2q12.3.
Variant type: single nucleotide variant.
Coding change: c.26T>C on transcript NM_021815.5 (MANE Select); coding-DNA position 26, T replaced by C.
Protein change: p.Ile9Thr; replaces isoleucine 9 with threonine.
Molecular consequence: missense variant. On other transcripts: 5 prime UTR variant (1), intron variant (1).
Genome position (GRCh38, 1-based): chr2:107,988,181, T>C. VCF-style: chr2-107988181-T-C. GRCh37 (hg19) VCF-style: chr2-108604637-T-C.
Other names: c.26T>C, p.Ile9Thr (NM_001305005.3); c.-679T>C (NM_001305007.3); c.-138+1418T>C (NM_001305006.3); short protein forms I9T.
Identifiers: ClinVar variation 1021994 (VCV001021994.5), dbSNP rs543338077, ClinGen allele CA1818868.

ClinVar aggregate classification (germline): Uncertain significance (1 of 4 stars; one submission).

Conditions:
Congenital myasthenic syndrome 20. Also called: Myasthenic syndrome, congenital, 20, presynaptic. Identifiers: MedGen C4310694, MONDO:0014939, OMIM 617143.
Neuronopathy, distal hereditary motor, type 7A. Also called: HARPER-YOUNG MYOPATHY; HMN VIIA; Neuronopathy, distal hereditary motor, type viia; NEURONOPATHY, DISTAL HEREDITARY MOTOR, HARDING TYPE VIIA; NEUROPATHY, DISTAL HEREDITARY MOTOR, HARDING TYPE VIIA; SPINAL MUSCULAR ATROPHY, DISTAL, WITH VOCAL CORD PARALYSIS. Identifiers: Orphanet 139589, MedGen C1834703, MONDO:0008024, OMIM 158580.

Allele frequency attached by ClinVar (database versions not stated): ExAC 0.00002.
gnomAD v4.1: 11 of 1,614,020 alleles (0.00068%); highest among the groups gnomAD compares: East Asian, 0.018%; no homozygotes.

Submission:

Labcorp Genetics (formerly Invitae), Labcorp
Classification: Uncertain significance for Neuronopathy, distal hereditary motor, type 7A; Congenital myasthenic syndrome 20. Last evaluated: 2023-08-17. Review status: criteria provided, single submitter. Criteria: Invitae Variant Classification Sherloc (09022015). Collection method: clinical testing. Allele origin: germline.
Comment: In summary, the available evidence is currently insufficient to determine the role of this variant in disease. Therefore, it has been classified as a Variant of Uncertain Significance. Advanced modeling of protein sequence and biophysical properties (such as structural, functional, and spatial information, amino acid conservation, physicochemical variation, residue mobility, and thermodynamic stability) performed at Invitae indicates that this missense variant is not expected to disrupt SLC5A7 protein function. ClinVar contains an entry for this variant (Variation ID: 1021994). This variant has not been reported in the literature in individuals affected with SLC5A7-related conditions. This variant is present in population databases (rs543338077, gnomAD 0.03%). This sequence change replaces isoleucine, which is neutral and non-polar, with threonine, which is neutral and polar, at codon 9 of the SLC5A7 protein (p.Ile9Thr).